The following is an entry in ClinVar:

ClinVar aggregate classification (germline): Conflicting classifications of pathogenicity. Review status: criteria provided, conflicting classifications (1 of 4 stars). 6 submissions from 6 submitters: Uncertain significance (2); Benign (1); Likely benign (3). Last evaluated 2025-10-13.

Conditions:
Hereditary cancer-predisposing syndrome. Also called: Hereditary neoplastic syndrome; Neoplastic Syndromes, Hereditary; Tumor predisposition; Hereditary Cancer Syndrome. Identifiers: Orphanet 140162, MedGen C0027672, MeSH D009386, MONDO:0015356.
Fanconi anemia complementation group J. Also called: BRIP1-Related Fanconi Anemia. Identifiers: Orphanet 84, MedGen C1836860, MONDO:0012187, OMIM 609054.
Familial cancer of breast. Also called: BREAST CANCER, FAMILIAL; Hereditary breast cancer; hereditary breast carcinoma. Identifiers: Orphanet 227535, MedGen C0346153, MONDO:0016419, OMIM 114480. Disease mechanism: loss of function.

Allele frequency attached by ClinVar (database versions not stated): TOPMed 0.00002.

Submissions (6):

Labcorp Genetics (formerly Invitae), Labcorp
Classification: Likely benign for Familial cancer of breast; Fanconi anemia complementation group J. Last evaluated: 2025-10-13. Review status: criteria provided, single submitter. Criteria: Invitae Variant Classification Sherloc (09022015). Collection method: clinical testing. Allele origin: germline.

ARUP Laboratories, Molecular Genetics and Genomics, ARUP Laboratories
Classification: Uncertain significance. Last evaluated: 2025-05-05. Review status: criteria provided, single submitter. Criteria: ARUP Molecular Germline Variant Investigation Process 2024. Collection method: clinical testing. Allele origin: germline.
Comment: The BRIP1 c.1972C>A; p.Arg658= variant (rs786203170), to our knowledge, is not reported in the medical literature but is reported in ClinVar (Variation ID: 481624). This variant is also absent from the Genome Aggregation Database (v2.1.1), indicating it is not a common polymorphism. This is a synonymous variant and computational analyses (Alamut Visual Plus v.1.12) predict that this variant may impact splicing by creating a novel cryptic donor splice site. However, given the lack of clinical and functional data, the significance of this variant is uncertain at this time.

Myriad Genetics, Inc.
Classification: Benign for Familial cancer of breast. Last evaluated: 2024-09-03. Review status: criteria provided, single submitter. Criteria: Myriad Autosomal Dominant, Autosomal Recessive and X-Linked Classification Criteria (2023). Collection method: clinical testing. Allele origin: unknown.
Comment: This variant is considered benign. This variant is a silent/synonymous amino acid change and it is not expected to impact splicing.

Women's Health and Genetics/Laboratory Corporation of America, LabCorp
Classification: Uncertain significance. Last evaluated: 2019-09-12. Review status: criteria provided, single submitter. Criteria: LabCorp Variant Classification Summary - May 2015. Collection method: clinical testing. Allele origin: germline.
Comment: Variant summary: BRIP1 c.1972C>A alters a conserved nucleotide resulting in a synonymous change. Several computational tools (via Alamut) predict that the variant could impact normal splicing: Four predict the variant strengthens a cryptic exonic 5' donor site. However, these predictions have yet to be confirmed by functional studies. Another in-silico tool for assessing the pathogenicity of synonymous variants, namely TraP (Transcript-inferred Pathogenicity, Gelfman_2017) predicts that this variant is Benign. However, these predictions have yet to be confirmed by functional studies. The variant was absent in 251344 control chromosomes. The available data on variant occurrences in the general population are insufficient to allow any conclusion about variant significance. To our knowledge, no occurrence of c.1972C>A in individuals affected with Hereditary Breast and Ovarian Cancer and no experimental evidence demonstrating an impact on protein function have been reported. Two other clinical diagnostic laboratories have submitted clinical-significance assessments for this variant to ClinVar after 2014 (without evidence for independent evaluation) and classified the variant as likely benign. Based on the evidence outlined above, the variant was classified as VUS- possibly benign.

Color Diagnostics, LLC DBA Color Health
Classification: Likely benign for Hereditary cancer-predisposing syndrome. Last evaluated: 2017-11-12. Review status: criteria provided, single submitter. Criteria: ACMG Guidelines, 2015. Collection method: clinical testing. Allele origin: germline.

Ambry Genetics
Classification: Likely benign for Hereditary cancer-predisposing syndrome. Last evaluated: 2015-10-14. Review status: criteria provided, single submitter. Criteria: Ambry Variant Classification Scheme 2023. Collection method: clinical testing. Allele origin: germline.

NM_032043.3(BRIP1):c.1972C>A (p.Arg658=)

Gene: BRIP1 (BRCA1 interacting DNA helicase 1; minus strand). Cytogenetic location: 17q23.2.
Variant type: single nucleotide variant.
Coding change: c.1972C>A on transcript NM_032043.3 (MANE Select); coding-DNA position 1972, C replaced by A.
Protein change: p.Arg658=; no amino-acid change (arginine 658 retained).
Molecular consequence: synonymous variant.
Genome position (GRCh38, 1-based): chr17:61,776,526, G>T on the plus strand (C>A on the coding strand, the complement: BRIP1 is on the minus strand). VCF-style: chr17-61776526-G-T. GRCh37 (hg19) VCF-style: chr17-59853887-G-T.
Identifiers: ClinVar variation 481624 (VCV000481624.22), dbSNP rs786203170, ClinGen allele CA501150197.
Genomic context (GRCh38, chr17:61,776,526, plus strand): 5'-CTCCCACTTCATCTTGGAACTCAAATGTTTCAGTATTCTGGAAGGTAGCACAGAGATTCC[G>T]ACCCTTGGGGCCTGACCCAATGGTACCAACCCAAACCTAGAATATGAATATGTCATTATT-3'
Protein context (NP_114432.2, residues 648-668): VGTIGSGPKG[Arg658=]NLCATFQNTE